The following is an entry in ClinVar:

ClinVar aggregate classification (germline): Uncertain significance. Review status: criteria provided, multiple submitters, no conflicts (2 of 4 stars). 2 submissions from 2 submitters: Uncertain significance (2). Last evaluated 2025-03-19.

Conditions:
Hereditary cancer-predisposing syndrome. Also called: Hereditary Cancer Syndrome; Hereditary neoplastic syndrome; Tumor predisposition; Neoplastic Syndromes, Hereditary. Identifiers: Orphanet 140162, MedGen C0027672, MeSH D009386, MONDO:0015356.
Cardiovascular phenotype. Identifiers: MedGen CN230736.

Submissions (2):

Labcorp Genetics (formerly Invitae), Labcorp
Classification: Uncertain significance. Last evaluated: 2025-03-19. Review status: criteria provided, single submitter. Criteria: Invitae Variant Classification Sherloc (09022015). Collection method: clinical testing. Allele origin: germline.
Comment: This sequence change replaces serine, which is neutral and polar, with threonine, which is neutral and polar, at codon 592 of the LZTR1 protein (p.Ser592Thr). This variant is not present in population databases (gnomAD no frequency). This variant has not been reported in the literature in individuals affected with LZTR1-related conditions. ClinVar contains an entry for this variant (Variation ID: 3541674). Invitae Evidence Modeling of protein sequence and biophysical properties (such as structural, functional, and spatial information, amino acid conservation, physicochemical variation, residue mobility, and thermodynamic stability) indicates that this missense variant is not expected to disrupt LZTR1 protein function with a negative predictive value of 80%. In summary, the available evidence is currently insufficient to determine the role of this variant in disease. Therefore, it has been classified as a Variant of Uncertain Significance.

Ambry Genetics
Classification: Uncertain significance for Cardiovascular phenotype; Hereditary cancer-predisposing syndrome. Last evaluated: 2024-10-25. Review status: criteria provided, single submitter. Criteria: Ambry Variant Classification Scheme 2023. Collection method: clinical testing. Allele origin: germline.
Comment: The p.S592T variant (also known as c.1775G>C), located in coding exon 15 of the LZTR1 gene, results from a G to C substitution at nucleotide position 1775. The serine at codon 592 is replaced by threonine, an amino acid with similar properties. This amino acid position is conserved. In addition, this alteration is predicted to be tolerated by in silico analysis. Based on the available evidence, the clinical significance of this variant remains unclear.

NM_006767.4(LZTR1):c.1775G>C (p.Ser592Thr)

Gene: LZTR1 (leucine zipper like post translational regulator 1; plus strand). Cytogenetic location: 22q11.21.
Variant type: single nucleotide variant.
Coding change: c.1775G>C on transcript NM_006767.4 (MANE Select); coding-DNA position 1775, G replaced by C.
Protein change: p.Ser592Thr; replaces serine 592 with threonine.
Molecular consequence: missense variant.
Genome position (GRCh38, 1-based): chr22:20,994,717, G>C. VCF-style: chr22-20994717-G-C. GRCh37 (hg19) VCF-style: chr22-21349006-G-C.
Other names: short protein forms S592T.
Identifiers: ClinVar variation 3541674 (VCV003541674.2).